The following is an entry in ClinVar:

NM_000717.5(CA4):c.715C>T (p.Arg239Trp)

Gene: CA4 (carbonic anhydrase 4; plus strand). Cytogenetic location: 17q23.1.
Variant type: single nucleotide variant.
Coding change: c.715C>T on transcript NM_000717.5 (MANE Select); coding-DNA position 715, C replaced by T.
Protein change: p.Arg239Trp; replaces arginine 239 with tryptophan.
Molecular consequence: missense variant. On other transcripts: non-coding transcript variant (1).
Genome position (GRCh38, 1-based): chr17:60,158,417, C>T. VCF-style: chr17-60158417-C-T. GRCh37 (hg19) VCF-style: chr17-58235778-C-T.
Other names: short protein forms R239W.
Identifiers: ClinVar variation 1363755 (VCV001363755.8), dbSNP rs1199881654, ClinGen allele CA400459926.
Genomic context (GRCh38, chr17:60,158,417, plus strand): 5'-CGCTACCTGGGCTCACTCACCACACCGACCTGCGATGAGAAGGTCGTCTGGACTGTGTTC[C>T]GGGAGCCCATTCAGCTTCACAGAGAACAGGTGCACAGGGCCTGGGGCAGGGCATGGGCTC-3'
Protein context (NP_000708.1, residues 229-249): CDEKVVWTVF[Arg239Trp]EPIQLHREQI

ClinVar aggregate classification (germline): Uncertain significance (1 of 4 stars; one submission).

Allele frequency attached by ClinVar (database versions not stated): gnomAD exomes below 0.00001; TOPMed 0.00001.
gnomAD v4.1: 12 of 1,614,046 alleles (0.00074%); highest among the groups gnomAD compares: Middle Eastern, 0.017%; no homozygotes.

Submission:

Labcorp Genetics (formerly Invitae), Labcorp
Classification: Uncertain significance. Last evaluated: 2022-07-06. Review status: criteria provided, single submitter. Criteria: Invitae Variant Classification Sherloc (09022015). Collection method: clinical testing. Allele origin: germline.
Comment: This variant is not present in population databases (gnomAD no frequency). In summary, the available evidence is currently insufficient to determine the role of this variant in disease. Therefore, it has been classified as a Variant of Uncertain Significance. Algorithms developed to predict the effect of missense changes on protein structure and function are either unavailable or do not agree on the potential impact of this missense change (SIFT: "Not Available"; PolyPhen-2: "Benign"; Align-GVGD: "Not Available"). ClinVar contains an entry for this variant (Variation ID: 1363755). This variant has not been reported in the literature in individuals affected with CA4-related conditions. This sequence change replaces arginine, which is basic and polar, with tryptophan, which is neutral and slightly polar, at codon 239 of the CA4 protein (p.Arg239Trp).